The following is an entry in ClinVar:

ClinVar aggregate classification (germline): Benign (0 of 4 stars; one submission).

Conditions:
DMXL1-related disorder. Also called: DMXL1-related condition.

Allele frequency attached by ClinVar (database versions not stated): ESP Exome Variant Server 0.00023; gnomAD exomes 0.00361; gnomAD 0.00395; TOPMed 0.00541; 1000 Genomes Project 0.00938; 1000 Genomes Project 30x 0.00999.
gnomAD v4.1: 5,882 of 1,601,766 alleles (0.37%); highest among the groups gnomAD compares: Admixed American, 3.4%; 118 homozygotes.

Submission:

PreventionGenetics, part of Exact Sciences
Classification: Benign for DMXL1-related condition. Last evaluated: 2019-02-28. Review status: no assertion criteria provided. Collection method: clinical testing. Allele origin: germline.
Comment: This variant is classified as benign based on ACMG/AMP sequence variant interpretation guidelines (Richards et al. 2015 PMID: 25741868, with internal and published modifications).

NM_001290321.3(DMXL1):c.6893C>G (p.Thr2298Ser)

Gene: DMXL1 (Dmx like 1; plus strand). Cytogenetic location: 5q23.1.
Variant type: single nucleotide variant.
Coding change: c.6893C>G on transcript NM_001290321.3 (MANE Select); coding-DNA position 6893, C replaced by G.
Protein change: p.Thr2298Ser; replaces threonine 2298 with serine.
Molecular consequence: missense variant. On other transcripts: non-coding transcript variant (3).
Genome position (GRCh38, 1-based): chr5:119,178,002, C>G. VCF-style: chr5-119178002-C-G. GRCh37 (hg19) VCF-style: chr5-118513697-C-G.
Other names: c.6893C>G, p.Thr2298Ser (NM_001349239.2, NM_001349240.2, NM_001387933.1 and 1 more transcripts); c.6701C>G, p.Thr2234Ser (NM_001387934.1); c.6188C>G, p.Thr2063Ser (NM_001387937.1); c.5906C>G, p.Thr1969Ser (NM_001387938.1); short protein forms T1969S, T2063S, T2234S, T2298S.
Identifiers: ClinVar variation 3060716 (VCV003060716.2), dbSNP rs146123394, ClinGen allele CA3380704.
Genomic context (GRCh38, chr5:119,178,002, plus strand): 5'-TTAAAATTTTAAAAATTTATAGTCAGTGACAGCTATGTTTGTTTGTCGTTCTAGGAATAA[C>G]TTGTCTAATTCGACTTTTGAATTCTTCTGGCGAGGAAGCCCAGTCAGGGCTTACAGTCTT-3'
Protein context (NP_001277250.1, residues 2288-2308): NTSPAQWPGI[Thr2298Ser]CLIRLLNSSG